The following is an entry in ClinVar:

NM_001130009.3(GEN1):c.2464C>A (p.His822Asn)

Gene: GEN1 (GEN1 Holliday junction 5' flap endonuclease; plus strand). Cytogenetic location: 2p24.2.
Variant type: single nucleotide variant.
Coding change: c.2464C>A on transcript NM_001130009.3 (MANE Select); coding-DNA position 2464, C replaced by A.
Protein change: p.His822Asn; replaces histidine 822 with asparagine.
Molecular consequence: missense variant.
Genome position (GRCh38, 1-based): chr2:17,781,676, C>A. VCF-style: chr2-17781676-C-A. GRCh37 (hg19) VCF-style: chr2-17962943-C-A.
Other names: c.2464C>A, p.His822Asn (NM_182625.5); short protein forms H822N.
Identifiers: ClinVar variation 4029152 (VCV004029152.1).

ClinVar aggregate classification (germline): Uncertain significance (1 of 4 stars; one submission).

Submission:

Ambry Genetics
Classification: Uncertain significance. Last evaluated: 2025-03-17. Review status: criteria provided, single submitter. Criteria: Ambry Variant Classification Scheme 2023. Collection method: clinical testing. Allele origin: germline.
Comment: The p.H822N variant (also known as c.2464C>A), located in coding exon 13 of the GEN1 gene, results from a C to A substitution at nucleotide position 2464. The histidine at codon 822 is replaced by asparagine, an amino acid with similar properties. This amino acid position is conserved. In addition, this alteration is predicted to be tolerated by in silico analysis. Based on the available evidence, the clinical significance of this variant remains unclear.